The following is an entry in ClinVar:

ClinVar aggregate classification (germline): Benign (1 of 4 stars; one submission).

Conditions:
Sitosterolemia 1. Identifiers: MedGen C2749759, MONDO:0020747, OMIM 210250.

Allele frequency attached by ClinVar (database versions not stated): gnomAD 0.00601 and 0.00642; TOPMed 0.00700; 1000 Genomes Project 30x 0.00859; 1000 Genomes Project 0.00879; gnomAD exomes 0.00029.
gnomAD v4.1: 917 of 166,610 alleles (0.55%); highest among the groups gnomAD compares: African/African-American, 2%; 5 homozygotes.

Submission:

Illumina Laboratory Services, Illumina
Classification: Benign for Sitosterolemia 1. Last evaluated: 2017-04-27. Review status: criteria provided, single submitter. Criteria: ICSL Variant Classification Criteria 13 December 2019. Collection method: clinical testing. Allele origin: germline.
Comment: This variant was observed as part of a predisposition screen in an ostensibly healthy population. A literature search was performed for the gene, cDNA change, and amino acid change (where applicable). No publications were found based on this search. Allele frequency data from public databases was too high to be consistent with this variant causing disease. Therefore, this variant is classified as benign.

NM_022436.3(ABCG5):c.*535C>T

Genes: ABCG5 (ATP binding cassette subfamily G member 5; minus strand), DYNC2LI1 (dynein cytoplasmic 2 light intermediate chain 1; plus strand). Cytogenetic location: 2p21.
Variant type: single nucleotide variant.
Coding change: c.*535C>T on transcript NM_022436.3 (MANE Select); 535 bases downstream of the stop codon, C replaced by T.
Molecular consequence: 3 prime UTR variant. On other transcripts: intron variant (2).
Genome position (GRCh38, 1-based): chr2:43,812,581, G>A on the plus strand (C>T on the coding strand, the complement: ABCG5 is on the minus strand). VCF-style: chr2-43812581-G-A. GRCh37 (hg19) VCF-style: chr2-44039720-G-A.
Other names: c.*15+2057G>A (NM_001348913.2, NM_001348912.2).
Identifiers: ClinVar variation 894906 (VCV000894906.6), dbSNP rs77638440, ClinGen allele CA46449140.